The following is an entry in ClinVar:

NM_001942.4(DSG1):c.2276C>T (p.Ala759Val)

Genes: DSG1 (desmoglein 1; plus strand), DSG1-AS1 (DSG1 antisense RNA 1; minus strand), LOC126862720 (MED14-independent group 3 enhancer GRCh37_chr18:28933613-28934812; plus strand). Cytogenetic location: 18q12.1.
Variant type: single nucleotide variant.
Coding change: c.2276C>T on transcript NM_001942.4 (MANE Select); coding-DNA position 2276, C replaced by T.
Protein change: p.Ala759Val; replaces alanine 759 with valine.
Molecular consequence: missense variant.
Genome position (GRCh38, 1-based): chr18:31,354,472, C>T. VCF-style: chr18-31354472-C-T. GRCh37 (hg19) VCF-style: chr18-28934435-C-T.
Other names: short protein forms A759V.
Identifiers: ClinVar variation 1478296 (VCV001478296.6), dbSNP rs2144126787, ClinGen allele CA402121873.

ClinVar aggregate classification (germline): Uncertain significance (1 of 4 stars; one submission).

Submission:

Labcorp Genetics (formerly Invitae), Labcorp
Classification: Uncertain significance. Last evaluated: 2021-09-30. Review status: criteria provided, single submitter. Criteria: Invitae Variant Classification Sherloc (09022015). Collection method: clinical testing. Allele origin: germline.
Comment: In summary, the available evidence is currently insufficient to determine the role of this variant in disease. Therefore, it has been classified as a Variant of Uncertain Significance. Algorithms developed to predict the effect of missense changes on protein structure and function (SIFT, PolyPhen-2, Align-GVGD) all suggest that this variant is likely to be disruptive. This variant has not been reported in the literature in individuals affected with DSG1-related conditions. This variant is not present in population databases (ExAC no frequency). This sequence change replaces alanine with valine at codon 759 of the DSG1 protein (p.Ala759Val). The alanine residue is highly conserved and there is a small physicochemical difference between alanine and valine.